The following is an entry in ClinVar:

ClinVar aggregate classification (germline): Uncertain significance (1 of 4 stars; one submission).

Conditions:
Hereditary cancer-predisposing syndrome. Also called: Neoplastic Syndromes, Hereditary; Tumor predisposition; Hereditary neoplastic syndrome; Hereditary Cancer Syndrome. Identifiers: Orphanet 140162, MedGen C0027672, MeSH D009386, MONDO:0015356.

Submission:

Ambry Genetics
Classification: Uncertain significance for Hereditary cancer-predisposing syndrome. Last evaluated: 2026-07-29. Review status: criteria provided, single submitter. Criteria: Ambry Variant Classification Scheme 2023. Collection method: clinical testing. Allele origin: germline.
Comment: The p.T251N variant (also known as c.752C>A), located in coding exon 8 of the NF2 gene, results from a C to A substitution at nucleotide position 752. The threonine at codon 251 is replaced by asparagine, an amino acid with similar properties. This amino acid position is highly conserved in available vertebrate species. In addition, the in silico prediction for this alteration is inconclusive. Based on the available evidence, the clinical significance of this variant remains unclear.

NM_000268.4(NF2):c.752C>A (p.Thr251Asn)

Gene: NF2 (NF2, moesin-ezrin-radixin like (MERLIN) tumor suppressor; plus strand). Cytogenetic location: 22q12.2.
Variant type: single nucleotide variant.
Coding change: c.752C>A on transcript NM_000268.4 (MANE Select); coding-DNA position 752, C replaced by A.
Protein change: p.Thr251Asn; replaces threonine 251 with asparagine.
Molecular consequence: missense variant. On other transcripts: non-coding transcript variant (1), intron variant (4).
Genome position (GRCh38, 1-based): chr22:29,661,281, C>A. VCF-style: chr22-29661281-C-A. GRCh37 (hg19) VCF-style: chr22-30057270-C-A.
Other names: c.752C>A, p.Thr251Asn (NM_001407066.1, NM_016418.5, NM_181825.3 and 2 more transcripts); c.521C>A, p.Thr174Asn (NM_001407067.1); c.626C>A, p.Thr209Asn (NM_181828.3, NM_001407055.1); c.629C>A, p.Thr210Asn (NM_181829.3, NM_001407054.1, NM_001407058.1); c.503C>A, p.Thr168Asn (NM_181830.3, NM_181831.3, NM_001407063.1 and 1 more transcripts); c.675+3017C>A (NM_001407059.1, NM_001407057.1); c.447+18996C>A (NM_181833.3); c.552+3017C>A (NM_001407062.1); and 2 more; short protein forms T168N, T209N, T73N, T210N, T251N, T174N, T213N.
Identifiers: ClinVar variation 5025705 (VCV005025705.1).
Genomic context (GRCh38, chr22:29,661,281, plus strand): 5'-AGCTGCTGCTTGGAGTGGATGCCCTGGGGCTTCACATTTATGACCCTGAGAACAGACTGA[C>A]CCCCAAGATCTCCTTCCCGTGGAATGAAATCCGAAACATCTCGTACAGTGACAAGGAGGT-3'
Protein context (NP_000259.1, residues 241-261): LHIYDPENRL[Thr251Asn]PKISFPWNEI